The following is an entry in ClinVar:

NM_002439.5(MSH3):c.734A>G (p.Asp245Gly)

Gene: MSH3 (mutS homolog 3; plus strand). Cytogenetic location: 5q14.1.
Variant type: single nucleotide variant.
Coding change: c.734A>G on transcript NM_002439.5 (MANE Select); coding-DNA position 734, A replaced by G.
Protein change: p.Asp245Gly; replaces aspartic acid 245 with glycine.
Molecular consequence: missense variant.
Genome position (GRCh38, 1-based): chr5:80,670,251, A>G. VCF-style: chr5-80670251-A-G. GRCh37 (hg19) VCF-style: chr5-79966070-A-G.
Other names: short protein forms D245G.
Identifiers: ClinVar variation 1758440 (VCV001758440.3), dbSNP rs1463692245, ClinGen allele CA360266903.
Genomic context (GRCh38, chr5:80,670,251, plus strand): 5'-CCAAAAGCATCTATACGCCGCTAGAATTACAATACATAGAAATGAAGCAGCAGCACAAAG[A>G]TGCAGTTTTGTGTGTGGAATGTGGATATAAGTATAGATTCTTTGGGGAAGATGCAGAGGT-3'
Protein context (NP_002430.3, residues 235-255): QYIEMKQQHK[Asp245Gly]AVLCVECGYK

ClinVar aggregate classification (germline): Uncertain significance. Review status: criteria provided, multiple submitters, no conflicts (2 of 4 stars). 2 submissions from 2 submitters: Uncertain significance (2). Last evaluated 2025-03-23.

Conditions:
Hereditary cancer-predisposing syndrome. Also called: Neoplastic Syndromes, Hereditary; Tumor predisposition; Hereditary Cancer Syndrome; Hereditary neoplastic syndrome. Identifiers: Orphanet 140162, MedGen C0027672, MeSH D009386, MONDO:0015356.

Allele frequency attached by ClinVar (database versions not stated): gnomAD exomes below 0.00001.
gnomAD v4.1: 1 of 1,614,114 alleles (0.000062%); highest among the groups gnomAD compares: Admixed American, 0.0017%; no homozygotes.

Submissions (2):

Labcorp Genetics (formerly Invitae), Labcorp
Classification: Uncertain significance. Last evaluated: 2025-03-23. Review status: criteria provided, single submitter. Criteria: Invitae Variant Classification Sherloc (09022015). Collection method: clinical testing. Allele origin: germline.
Comment: This sequence change replaces aspartic acid, which is acidic and polar, with glycine, which is neutral and non-polar, at codon 245 of the MSH3 protein (p.Asp245Gly). This variant is present in population databases (no rsID available, gnomAD 0.003%). This variant has not been reported in the literature in individuals affected with MSH3-related conditions. ClinVar contains an entry for this variant (Variation ID: 1758440). An algorithm developed to predict the effect of missense changes on protein structure and function (PolyPhen-2) suggests that this variant is likely to be disruptive. In summary, the available evidence is currently insufficient to determine the role of this variant in disease. Therefore, it has been classified as a Variant of Uncertain Significance.

Ambry Genetics
Classification: Uncertain significance for Hereditary cancer-predisposing syndrome. Last evaluated: 2022-03-27. Review status: criteria provided, single submitter. Criteria: Ambry Variant Classification Scheme 2023. Collection method: clinical testing. Allele origin: germline.
Comment: The p.D245G variant (also known as c.734A>G), located in coding exon 4 of the MSH3 gene, results from an A to G substitution at nucleotide position 734. The aspartic acid at codon 245 is replaced by glycine, an amino acid with similar properties. This amino acid position is conserved. In addition, this alteration is predicted to be deleterious by in silico analysis. Since supporting evidence is limited at this time, the clinical significance of this alteration remains unclear.